The following is an entry in ClinVar:

NM_000540.3(RYR1):c.9123C>T (p.Ser3041=)

Gene: RYR1 (ryanodine receptor 1; plus strand). Cytogenetic location: 19q13.2.
Variant type: single nucleotide variant.
Coding change: c.9123C>T on transcript NM_000540.3 (MANE Select); coding-DNA position 9123, C replaced by T.
Protein change: p.Ser3041=; no amino-acid change (serine 3041 retained).
Molecular consequence: synonymous variant.
Genome position (GRCh38, 1-based): chr19:38,511,561, C>T. VCF-style: chr19-38511561-C-T. GRCh37 (hg19) VCF-style: chr19-39002201-C-T.
Other names: c.9123C>T, p.Ser3041= (NM_001042723.2).
Identifiers: ClinVar variation 4708392 (VCV004708392.1).
Genomic context (GRCh38, chr19:38,511,561, plus strand): 5'-GTCTCCTTGGCCTCCTCACTCGCTGTTTCTCCTGCCTTCTGTCCCTTTCTCTTTCTTCAG[C>T]CTCTTCTGCAAACTTGCTGCTCTCGTCCGCCACCGAGTCTCTCTCTTTGGTAAGTGGCTC-3'
Protein context (NP_000531.2, residues 3031-3051): ASNKEKEMIT[Ser3041=]LFCKLAALVR

ClinVar aggregate classification (germline): Uncertain significance (1 of 4 stars; one submission).

Conditions:
RYR1-related disorder. Also called: RYR1-related condition; RYR1-related disorders. Identifiers: MedGen CN239331.

gnomAD v4.1: 2 of 1,613,902 alleles (0.00012%); highest among the groups gnomAD compares: Non-Finnish European, 0.00017%; no homozygotes.

Submission:

Labcorp Genetics (formerly Invitae), Labcorp
Classification: Uncertain significance for RYR1-related disorder. Last evaluated: 2026-01-13. Review status: criteria provided, single submitter. Criteria: Invitae Variant Classification Sherloc (09022015). Collection method: clinical testing. Allele origin: germline.
Comment: This sequence change affects codon 3041 of the RYR1 mRNA. It is a 'silent' change, meaning that it does not change the encoded amino acid sequence of the RYR1 protein. It affects a nucleotide within the consensus splice site. This variant is present in population databases (rs368803042, gnomAD 0.0009%). This variant has not been reported in the literature in individuals affected with RYR1-related conditions. Algorithms developed to predict the effect of sequence changes on RNA splicing suggest that this variant is not likely to affect RNA splicing. In summary, the available evidence is currently insufficient to determine the role of this variant in disease. Therefore, it has been classified as a Variant of Uncertain Significance.